The following is an entry in ClinVar:

NM_001754.5(RUNX1):c.*4147C>G

Gene: RUNX1 (RUNX family transcription factor 1; minus strand). Cytogenetic location: 21q22.12.
Variant type: single nucleotide variant.
Coding change: c.*4147C>G on transcript NM_001754.5 (MANE Select); 4147 bases downstream of the stop codon, C replaced by G.
Molecular consequence: 3 prime UTR variant.
Genome position (GRCh38, 1-based): chr21:34,787,988, G>C on the plus strand (C>G on the coding strand, the complement: RUNX1 is on the minus strand). VCF-style: chr21-34787988-G-C. GRCh37 (hg19) VCF-style: chr21-36160285-G-C.
Other names: c.*4147C>G (NM_001001890.3).
Identifiers: ClinVar variation 339795 (VCV000339795.6), dbSNP rs886057029, ClinGen allele CA10644606.
Genomic context (GRCh38, chr21:34,787,988, plus strand): 5'-GCCCTGCTCAGGCTGGGCACGACGAATGCTCCCAGGAGAGGGGAGGCGGCCCACCCGACT[G>C]TGTACCGTGGACTGTGGACAGTGCAGTGCCTGCTCTCCTGTGCTATCTAGAAACACCTTG-3'

ClinVar aggregate classification (germline): Likely benign. Review status: reviewed by expert panel (3 of 4 stars). 2 submissions from 2 submitters: Likely benign (1). 1 of the submissions does not count toward it. Last evaluated 2024-09-10.

Conditions:
Hereditary thrombocytopenia and hematologic cancer predisposition syndrome. Identifiers: Orphanet 71290, MedGen CN281654, MONDO:0011071.
Hereditary thrombocytopenia and hematological cancer predisposition syndrome associated with RUNX1. Also called: PLATELET DISORDER, ASPIRIN-LIKE; RUNX1 Familial Platelet Disorder with Associated Myeloid Malignancies; Familial Platelet Disorder with Propensity to Acute Myelogenous Leukemia; Familial thrombocytopenia with propensity to acute myelogenous leukemia. Identifiers: Orphanet 71290, MedGen C1832388, MeSH C563324, MONDO:0100083, OMIM 601399.

Allele frequency attached by ClinVar (database versions not stated): TOPMed 0.00002; gnomAD 0.00003.
gnomAD v4.1: 7 of 233,296 alleles (0.003%); highest among the groups gnomAD compares: Non-Finnish European, 0.0059%; no homozygotes.

Submissions (2):

ClinGen Myeloid Malignancy Variant Curation Expert Panel
Classification: Likely benign for Hereditary thrombocytopenia and hematologic cancer predisposition syndrome. Last evaluated: 2024-09-10. Review status: reviewed by expert panel. Criteria: ClinGen MyeloMalig ACMG Specifications v2. Collection method: curation. Allele origin: germline. Inheritance: Autosomal dominant inheritance.
Comment: NM_001754.5(RUNX1):c.*4147C>G is a UTR variant which has a SpliceAI score ≤ 0.20 (0.0) (BP4). This variant has a SpliceAI score ≤ 0.20 (0.0) and evolutionary conservation algorithms predict the site as not being conserved (PhyloP score ≤ 2.0 (-1.71)) (BP7). In summary, this variant meets criteria to be classified as likely benign. ACMG/AMP criteria applied, as specified by the Myeloid Malignancy Variant Curation Expert Panel for RUNX1: BP4, BP7.

Illumina Laboratory Services, Illumina
Classification: Uncertain significance for Hereditary thrombocytopenia and hematological cancer predisposition syndrome associated with RUNX1. Last evaluated: 2018-01-13. Review status: criteria provided, single submitter. Criteria: ICSL Variant Classification Criteria 13 December 2019. Collection method: clinical testing. Allele origin: germline. Not counted in ClinVar's aggregate classification.